The following is an entry in ClinVar:

NM_000257.4(MYH7):c.4801C>G (p.Leu1601Val)

Genes: MHRT (myosin heavy chain associated RNA transcript; plus strand), MYH7 (myosin heavy chain 7; minus strand), LOC126861897 (BRD4-independent group 4 enhancer GRCh37_chr14:23884455-23885654; plus strand). Cytogenetic location: 14q11.2.
Variant type: single nucleotide variant.
Coding change: c.4801C>G on transcript NM_000257.4 (MANE Select); coding-DNA position 4801, C replaced by G.
Protein change: p.Leu1601Val; replaces leucine 1601 with valine.
Molecular consequence: missense variant. On other transcripts: non-coding transcript variant (1).
Genome position (GRCh38, 1-based): chr14:23,416,156, G>C on the plus strand (C>G on the coding strand, the complement: MYH7 is on the minus strand). VCF-style: chr14-23416156-G-C. GRCh37 (hg19) VCF-style: chr14-23885365-G-C.
Other names: c.4801C>G, p.Leu1601Val (NM_001407004.1); short protein forms L1601V.
Identifiers: ClinVar variation 3069632 (VCV003069632.1), dbSNP rs2502245164, ClinGen allele CA389037606.
Genomic context (GRCh38, chr14:23,416,156, plus strand): 5'-CTCCTTCCATCTTCTTCTTCACCCTCAGGGCCTCGTTGCGGCTGCGTGTCTCTGCGTCCA[G>C]GGAGGTCTGCAGCGAGTCCACCACCCGCAGGTGGTTGCGCTTGGCCTGTTCCATCTCCTC-3'
Protein context (NP_000248.2, residues 1591-1611): LRVVDSLQTS[Leu1601Val]DAETRSRNEA

ClinVar aggregate classification (germline): Uncertain significance (1 of 4 stars; one submission).

Conditions:
Cardiomyopathy (CMYO). Also called: Cardiomyopathies. Identifiers: Orphanet 167848, MedGen C0878544, MONDO:0004994, HP:0001638. Inheritance: Various modes of inheritance.

Submission:

All of Us Research Program, National Institutes of Health
Classification: Uncertain significance for Cardiomyopathy. Last evaluated: 2023-02-24. Review status: criteria provided, single submitter. Criteria: ACMG Guidelines, 2015. Collection method: clinical testing. Allele origin: germline. Inheritance: Autosomal dominant inheritance. Observed: 1 variant allele, 1 heterozygote.
Comment: This missense variant replaces leucine with valine at codon 1601 of the MYH7 protein. Computational prediction suggests that this variant may have deleterious impact on protein structure and function (internally defined REVEL score threshold >= 0.7, PMID: 27666373). To our knowledge, functional studies have not been reported for this variant. This variant has not been reported in individuals affected with MYH7-related disorders in the literature. This variant has not been identified in the general population by the Genome Aggregation Database (gnomAD). The available evidence is insufficient to determine the role of this variant in disease conclusively. Therefore, this variant is classified as a Variant of Uncertain Significance.

This study involves interpretation of variants in research participants for the purpose of population health screening. Participant phenotype was not available at the time of variant classification. Additional details can be found in publication PMID: 35346344, PMCID: PMC8962531